The following is an entry in ClinVar:

NM_000548.5(TSC2):c.4584G>T (p.Glu1528Asp)

Gene: TSC2 (TSC complex subunit 2; plus strand). Cytogenetic location: 16p13.3.
Variant type: single nucleotide variant.
Coding change: c.4584G>T on transcript NM_000548.5 (MANE Select); coding-DNA position 4584, G replaced by T.
Protein change: p.Glu1528Asp; replaces glutamic acid 1528 with aspartic acid.
Molecular consequence: missense variant.
Genome position (GRCh38, 1-based): chr16:2,085,244, G>T. VCF-style: chr16-2085244-G-T. GRCh37 (hg19) VCF-style: chr16-2135245-G-T.
Other names: c.4383G>T, p.Glu1461Asp (NM_001077183.3); c.4515G>T, p.Glu1505Asp (NM_001114382.3); c.4275G>T, p.Glu1425Asp (NM_001318827.2); c.4239G>T, p.Glu1413Asp (NM_001318829.2); c.3852G>T, p.Glu1284Asp (NM_001318831.2); c.4416G>T, p.Glu1472Asp (NM_001318832.2); c.4386G>T, p.Glu1462Asp (NM_001363528.2); c.4452G>T, p.Glu1484Asp (NM_001370404.1); and 1 more; short protein forms E1528D, E1284D, E1425D, E1461D, E1462D, E1472D, E1413D, E1485D.
Identifiers: ClinVar variation 41743 (VCV000041743.20), dbSNP rs199848388, ClinGen allele CA020727.

ClinVar aggregate classification (germline): Uncertain significance. Review status: criteria provided, multiple submitters, no conflicts (2 of 4 stars). 5 submissions from 5 submitters: Uncertain significance (4). 1 of the submissions does not count toward it. Last evaluated 2025-03-07.

Conditions:
Hereditary cancer-predisposing syndrome. Also called: Tumor predisposition; Neoplastic Syndromes, Hereditary; Hereditary neoplastic syndrome; Hereditary Cancer Syndrome. Identifiers: Orphanet 140162, MedGen C0027672, MeSH D009386, MONDO:0015356.
Isolated focal cortical dysplasia type II (FCORD2). Also called: Focal cortical dysplasia type II; CORTICAL DYSPLASIA OF TAYLOR. Identifiers: Orphanet 268994, MedGen C1846385, MONDO:0011818, OMIM 607341, HP:0032051.
Tuberous sclerosis 2 (TSC2). Identifiers: Orphanet 805, MedGen C1860707, MONDO:0013199, OMIM 613254.

Allele frequency attached by ClinVar (database versions not stated): gnomAD exomes below 0.00001.
gnomAD v4.1: 2 of 1,612,762 alleles (0.00012%); highest among the groups gnomAD compares: Non-Finnish European, 0.00017%; no homozygotes.

Submissions (5):

Ambry Genetics
Classification: Uncertain significance for Hereditary cancer-predisposing syndrome. Last evaluated: 2025-03-07. Review status: criteria provided, single submitter. Criteria: Ambry Variant Classification Scheme 2023. Collection method: clinical testing. Allele origin: germline.
Comment: The p.E1528D variant (also known as c.4584G>T), located in coding exon 35 of the TSC2 gene, results from a G to T substitution at nucleotide position 4584. The glutamic acid at codon 1528 is replaced by aspartic acid, an amino acid with highly similar properties. This variant was detected as a secondary finding in 1 out of 572 ClinSeq participants, unselected for personal or family history of cancer, who underwent exome sequencing; however, the clinical information for this particular individual was not provided (Johnston JJ et al. Am. J. Hum. Genet., 2012 Jul;91:97-108). This amino acid position is well conserved in available vertebrate species. In addition, as a missense variant, this alteration is predicted to be tolerated by in silico analysis. In silico splice site analysis predicts that this alteration will result in the creation or strengthening of a novel splice acceptor site; however, direct evidence is insufficient at this time (Ambry internal data). Based on the available evidence, the clinical significance of this variant remains unclear.

Labcorp Genetics (formerly Invitae), Labcorp
Classification: Uncertain significance for Tuberous sclerosis 2. Last evaluated: 2024-04-22. Review status: criteria provided, single submitter. Criteria: Invitae Variant Classification Sherloc (09022015). Collection method: clinical testing. Allele origin: germline.
Comment: This sequence change replaces glutamic acid, which is acidic and polar, with aspartic acid, which is acidic and polar, at codon 1528 of the TSC2 protein (p.Glu1528Asp). This variant is not present in population databases (gnomAD no frequency). This variant has not been reported in the literature in individuals affected with TSC2-related conditions. ClinVar contains an entry for this variant (Variation ID: 41743). Advanced modeling of protein sequence and biophysical properties (such as structural, functional, and spatial information, amino acid conservation, physicochemical variation, residue mobility, and thermodynamic stability) performed at Invitae indicates that this missense variant is not expected to disrupt TSC2 protein function with a negative predictive value of 95%. Algorithms developed to predict the effect of sequence changes on RNA splicing suggest that this variant may disrupt the consensus splice site. In summary, the available evidence is currently insufficient to determine the role of this variant in disease. Therefore, it has been classified as a Variant of Uncertain Significance.

Baylor Genetics
Classification: Uncertain significance for Isolated focal cortical dysplasia type II. Last evaluated: 2023-07-11. Review status: criteria provided, single submitter. Criteria: ACMG Guidelines, 2015. Collection method: clinical testing. Allele origin: unknown.

Genome-Nilou Lab
Classification: Uncertain significance for Tuberous sclerosis 2. Last evaluated: 2021-11-07. Review status: criteria provided, single submitter. Criteria: ACMG Guidelines, 2015. Collection method: clinical testing. Allele origin: germline. Affected: no.

Biesecker Lab/Clinical Genomics Section, National Institutes of Health
Classification: Uncertain significance. Last evaluated: 2012-07-13. Review status: no assertion criteria provided. Collection method: research. Allele origin: germline. Affected: no. Observed: 1 variant allele. Study: ClinSeq. Not counted in ClinVar's aggregate classification.
ClinVar note: Converted during submission from variant of unknown significance to Uncertain significance.